The following is an entry in ClinVar:

ClinVar aggregate classification (germline): Uncertain significance (1 of 4 stars; one submission).

Conditions:
Inborn genetic diseases. Identifiers: MedGen C0950123, MeSH D030342.

gnomAD v4.1: 1 of 1,614,120 alleles (0.000062%); highest among the groups gnomAD compares: Non-Finnish European, 0.000085%; no homozygotes.

Submission:

Ambry Genetics
Classification: Uncertain significance for Inborn genetic diseases. Last evaluated: 2025-04-07. Review status: criteria provided, single submitter. Criteria: Ambry Variant Classification Scheme 2023. Collection method: clinical testing. Allele origin: germline.
Comment: The p.P739S variant (also known as c.2215C>T), located in coding exon 12 of the BMPR2 gene, results from a C to T substitution at nucleotide position 2215. The proline at codon 739 is replaced by serine, an amino acid with similar properties. This amino acid position is conserved. In addition, this alteration is predicted to be tolerated by in silico analysis. Based on the available evidence, the clinical significance of this variant remains unclear.

NM_001204.7(BMPR2):c.2215C>T (p.Pro739Ser)

Gene: BMPR2 (bone morphogenetic protein receptor type 2; plus strand). Cytogenetic location: 2q33.2.
Variant type: single nucleotide variant.
Coding change: c.2215C>T on transcript NM_001204.7 (MANE Select); coding-DNA position 2215, C replaced by T.
Protein change: p.Pro739Ser; replaces proline 739 with serine.
Molecular consequence: missense variant.
Genome position (GRCh38, 1-based): chr2:202,555,880, C>T. VCF-style: chr2-202555880-C-T. GRCh37 (hg19) VCF-style: chr2-203420603-C-T.
Other names: short protein forms P739S.
Identifiers: ClinVar variation 3992104 (VCV003992104.1).